The following is an entry in ClinVar:

NM_012431.3(SEMA3E):c.482C>A (p.Pro161His)

Gene: SEMA3E (semaphorin 3E; minus strand). Cytogenetic location: 7q21.11.
Variant type: single nucleotide variant.
Coding change: c.482C>A on transcript NM_012431.3 (MANE Select); coding-DNA position 482, C replaced by A.
Protein change: p.Pro161His; replaces proline 161 with histidine.
Molecular consequence: missense variant.
Genome position (GRCh38, 1-based): chr7:83,418,458, G>T on the plus strand (C>A on the coding strand, the complement: SEMA3E is on the minus strand). VCF-style: chr7-83418458-G-T. GRCh37 (hg19) VCF-style: chr7-83047774-G-T.
Other names: c.302C>A, p.Pro101His (NM_001178129.2); short protein forms P101H, P161H.
Identifiers: ClinVar variation 2628740 (VCV002628740.5), dbSNP rs776644269, ClinGen allele CA4322323.

ClinVar aggregate classification (germline): Uncertain significance. Review status: criteria provided, multiple submitters, no conflicts (2 of 4 stars). 2 submissions from 2 submitters: Uncertain significance (2). Last evaluated 2026-05-21.

Conditions:
SEMA3E-related disorder. Also called: SEMA3E-related condition.
CHARGE syndrome (CHARGE). Also called: Hittner Hirsch Kreh syndrome; CHARGE ASSOCIATION--COLOBOMA, HEART ANOMALY, CHOANAL ATRESIA, RETARDATION, GENITAL AND EAR ANOMALIES; Coloboma, heart anomaly, choanal atresia, retardation, genital and ear anomalies; CHARGE association; Hall-Hittner syndrome. Identifiers: Orphanet 138, MedGen C0265354, MONDO:0008965.

Allele frequency attached by ClinVar (database versions not stated): gnomAD exomes 0.00002; ExAC 0.00003.
gnomAD v4.1: 12 of 1,611,084 alleles (0.00074%); highest among the groups gnomAD compares: Admixed American, 0.02%; no homozygotes.

Submissions (2):

PreventionGenetics, part of Exact Sciences
Classification: Uncertain significance for SEMA3E-related condition. Last evaluated: 2026-05-21. Review status: criteria provided, single submitter. Criteria: ACMG Guidelines, 2015. Collection method: clinical testing. Allele origin: germline.
Comment: The SEMA3E c.482C>A variant is predicted to result in the amino acid substitution p.Pro161His. To our knowledge, this variant has not been reported in the literature. This variant is reported in 0.026% of alleles in individuals of Latino descent in gnomAD. Although we suspect that this variant may be benign, at this time, the clinical significance of this variant is uncertain due to the absence of conclusive functional and genetic evidence.

Labcorp Genetics (formerly Invitae), Labcorp
Classification: Uncertain significance for CHARGE syndrome. Last evaluated: 2025-02-19. Review status: criteria provided, single submitter. Criteria: Invitae Variant Classification Sherloc (09022015). Collection method: clinical testing. Allele origin: germline.
Comment: This sequence change replaces proline, which is neutral and non-polar, with histidine, which is basic and polar, at codon 161 of the SEMA3E protein (p.Pro161His). This variant is present in population databases (rs776644269, gnomAD 0.03%). This variant has not been reported in the literature in individuals affected with SEMA3E-related conditions. ClinVar contains an entry for this variant (Variation ID: 2628740). An algorithm developed to predict the effect of missense changes on protein structure and function outputs the following: PolyPhen-2: "Benign". The histidine amino acid residue is found in multiple mammalian species, which suggests that this missense change does not adversely affect protein function. In summary, the available evidence is currently insufficient to determine the role of this variant in disease. Therefore, it has been classified as a Variant of Uncertain Significance.